The following is an entry in ClinVar:

NM_032130.3(FAM186B):c.1204G>A (p.Ala402Thr)

Gene: FAM186B (family with sequence similarity 186 member B; minus strand). Cytogenetic location: 12q13.12.
Variant type: single nucleotide variant.
Coding change: c.1204G>A on transcript NM_032130.3 (MANE Select); coding-DNA position 1204, G replaced by A.
Protein change: p.Ala402Thr; replaces alanine 402 with threonine.
Molecular consequence: missense variant. On other transcripts: non-coding transcript variant (1).
Genome position (GRCh38, 1-based): chr12:49,600,436, C>T on the plus strand (G>A on the coding strand, the complement: FAM186B is on the minus strand). VCF-style: chr12-49600436-C-T. GRCh37 (hg19) VCF-style: chr12-49994219-C-T.
Other names: c.1204G>A (NM_032130.2); short protein forms A402T.
Identifiers: ClinVar variation 2201024 (VCV002201024.6), dbSNP rs751118651, ClinGen allele CA6554732.
Genomic context (GRCh38, chr12:49,600,436, plus strand): 5'-CTACTAAGGGTAAAAGCACAGGCTCAAGGCTCTCAGTGTCCTTGCTGCCGAACACATCTG[C>T]GACCCTCGAGCGCACAGTCATGGTGGAAAGTGGCTGGTGCCCTGCAGCTATAGCACCACT-3'
Protein context (NP_115506.1, residues 392-412): LSTMTVRSRV[Ala402Thr]DVFGSKDTES

ClinVar aggregate classification (germline): Uncertain significance. Review status: criteria provided, multiple submitters, no conflicts (2 of 4 stars). 2 submissions from 2 submitters: Uncertain significance (2). Last evaluated 2024-11-27.

Allele frequency attached by ClinVar (database versions not stated): ExAC 0.00004; gnomAD 0.00005; gnomAD exomes 0.00005; TOPMed 0.00009.
gnomAD v4.1: 80 of 1,613,296 alleles (0.005%); highest among the groups gnomAD compares: Admixed American, 0.052%; 1 homozygote.

Submissions (2):

Ambry Genetics
Classification: Uncertain significance. Last evaluated: 2024-11-27. Review status: criteria provided, single submitter. Criteria: Ambry Variant Classification Scheme 2023. Collection method: clinical testing. Allele origin: germline.

Labcorp Genetics (formerly Invitae), Labcorp
Classification: Uncertain significance. Last evaluated: 2024-06-26. Review status: criteria provided, single submitter. Criteria: Invitae Variant Classification Sherloc (09022015). Collection method: clinical testing. Allele origin: germline.
Comment: This sequence change replaces alanine, which is neutral and non-polar, with threonine, which is neutral and polar, at codon 402 of the FAM186B protein (p.Ala402Thr). This variant is present in population databases (rs751118651, gnomAD 0.06%), and has an allele count higher than expected for a pathogenic variant. This variant has not been reported in the literature in individuals affected with FAM186B-related conditions. ClinVar contains an entry for this variant (Variation ID: 2201024). Algorithms developed to predict the effect of missense changes on protein structure and function output the following: SIFT: "Not Available"; PolyPhen-2: "Benign"; Align-GVGD: "Not Available". The threonine amino acid residue is found in multiple mammalian species, which suggests that this missense change does not adversely affect protein function. In summary, the available evidence is currently insufficient to determine the role of this variant in disease. Therefore, it has been classified as a Variant of Uncertain Significance.